The following is an entry in ClinVar:

NM_002519.3(NPAT):c.1561A>G (p.Asn521Asp)

Gene: NPAT (nuclear protein, coactivator of histone transcription; minus strand). Cytogenetic location: 11q22.3.
Variant type: single nucleotide variant.
Coding change: c.1561A>G on transcript NM_002519.3 (MANE Select); coding-DNA position 1561, A replaced by G.
Protein change: p.Asn521Asp; replaces asparagine 521 with aspartic acid.
Molecular consequence: missense variant.
Genome position (GRCh38, 1-based): chr11:108,173,423, T>C on the plus strand (A>G on the coding strand, the complement: NPAT is on the minus strand). VCF-style: chr11-108173423-T-C. GRCh37 (hg19) VCF-style: chr11-108044150-T-C.
Other names: c.1561A>G, p.Asn521Asp (NM_001321307.1); short protein forms N521D.
Identifiers: ClinVar variation 3300716 (VCV003300716.1).
Genomic context (GRCh38, chr11:108,173,423, plus strand): 5'-TTAATGAAGTATCTTGGGATAAAAGTTGAGAACTCTTCCCAGAGAGAATTAAGTTTTCAT[T>C]GTTAGCTTCACAACCAAGTGAAACAAATGAAGTTATTGGTATATCAGGCTGATCAGGCTG-3'
Protein context (NP_002510.2, residues 511-531): SFVSLGCEAN[Asn521Asp]ENLILSGKSS

ClinVar aggregate classification (germline): Uncertain significance (1 of 4 stars; one submission).

Submission:

Ambry Genetics
Classification: Uncertain significance. Last evaluated: 2024-06-09. Review status: criteria provided, single submitter. Criteria: Ambry Variant Classification Scheme 2023. Collection method: clinical testing. Allele origin: germline.
Comment: The p.N521D variant (also known as c.1561A>G), located in coding exon 13 of the NPAT gene, results from an A to G substitution at nucleotide position 1561. The asparagine at codon 521 is replaced by aspartic acid, an amino acid with highly similar properties. This amino acid position is conserved. In addition, this alteration is predicted to be tolerated by in silico analysis. Based on the available evidence, the clinical significance of this variant remains unclear.